The following is an entry in ClinVar:

ClinVar aggregate classification (germline): Likely pathogenic (1 of 4 stars; one submission).

Conditions:
Inborn genetic diseases. Identifiers: MedGen C0950123, MeSH D030342.

Submission:

Ambry Genetics
Classification: Likely pathogenic for Inborn genetic diseases. Last evaluated: 2024-02-01. Review status: criteria provided, single submitter. Criteria: Ambry Variant Classification Scheme 2023. Collection method: clinical testing. Allele origin: germline.
Comment: The c.1823dupA (p.N608Kfs*23) alteration, located in exon 17 (coding exon 17) of the SPAST gene, consists of a duplication of A at position 1823, causing a translational frameshift with a predicted alternate stop codon after 23 amino acids. This alteration occurs at the 3' terminus of the SPAST gene, is not expected to trigger nonsense-mediated mRNA decay and results in the elongation of the protein by 13 amino acids. This frameshift impacts the last 9 amino acids (1.5%) of the native protein. Frameshifts are typically deleterious in nature and the impacted region is critical for protein function (Ambry internal data). This variant was not reported in population-based cohorts in the Genome Aggregation Database (gnomAD). Based on the available evidence, this alteration is classified as likely pathogenic.

NM_014946.4(SPAST):c.1823dup (p.Asn608fs)

Gene: SPAST (spastin; plus strand). Cytogenetic location: 2p22.3.
Variant type: Duplication.
Coding change: c.1823dup on transcript NM_014946.4 (MANE Select); coding-DNA position 1823, one base duplicated (A; older notation c.1823dupA).
Protein change: p.Asn608fs; shifts the reading frame from asparagine 608.
Molecular consequence: frameshift variant. On other transcripts: 3 prime UTR variant (1).
Genome position (GRCh38, 1-based): chr2:32,154,468, A duplicated; the last of 2 consecutive A bases (chr2:32,154,467-32,154,468); duplicating either gives the same sequence. VCF-style (leftmost placement, unchanged base first): chr2-32154466-G-GA. GRCh37 (hg19) VCF-style: chr2-32379535-G-GA.
Other names: c.1820dup, p.Asn607fs (NM_001363823.2); c.1724dup, p.Asn575fs (NM_001363875.2); c.*96dup (NM_001377959.1); c.1727dup, p.Asn576fs (NM_199436.2); c.1823dupA (NM_014946.3); short protein forms N575fs, N576fs, N607fs, N608fs.
Identifiers: ClinVar variation 3168169 (VCV003168169.1), dbSNP rs2465946676, ClinGen allele CA2825001122.